The following is an entry in ClinVar:

ClinVar aggregate classification (germline): Pathogenic (1 of 4 stars; one submission).

Conditions:
CLCN4-related disorder. Identifiers: MedGen CN232948.

Submission:

Sydney Children's Hospital, SCHN
Classification: Pathogenic for CLCN4-related disorder. Last evaluated: 2016-03-22. Review status: criteria provided, single submitter. Criteria: Submitter's publication. Collection method: clinical testing. Allele origin: maternal. Inheritance: X-linked inheritance. Affected: yes. Observed: 3 variant alleles, 1 heterozygote, 2 hemizygotes. Clinical features observed: intellectual disability.
Comment: Segregates with intellectual disability in family. Clinical phenotype consistent with case series of individuals with CLCN4 related disorder.

GRCh37/hg19 Xp22.2(chrX:10187807-10189796)

Gene: CLCN4 (chloride voltage-gated channel 4; plus strand). Cytogenetic location: Xp22.2.
Variant type: copy number loss.
Identifiers: ClinVar variation 209114 (VCV000209114.2).